The following is an entry in ClinVar:

NM_001365310.2(PERCC1):c.390C>G (p.Tyr130Ter)

Gene: PERCC1 (proline and glutamate rich with coiled coil 1; plus strand). Cytogenetic location: 16p13.3.
Variant type: single nucleotide variant.
Coding change: c.390C>G on transcript NM_001365310.2 (MANE Select); coding-DNA position 390, C replaced by G.
Protein change: p.Tyr130Ter; replaces tyrosine 130 with a stop codon.
Molecular consequence: nonsense.
Genome position (GRCh38, 1-based): chr16:1,432,983, C>G. VCF-style: chr16-1432983-C-G. GRCh37 (hg19) VCF-style: chr16-1482984-C-G.
Other names: short protein forms Y130*.
Identifiers: ClinVar variation 3255349 (VCV003255349.2).
Genomic context (GRCh38, chr16:1,432,983, plus strand): 5'-AGATGCCTGCGACGTCTACGCCGACAGCCGCCCACCCCGCAGCACTGCCCGGGAGCTCTA[C>G]TATGCGGACCTGGTGCGCCTGGCCCGTGGCGGGTCCCTGGAGGACGAGGACACCCCGGAG-3'

ClinVar aggregate classification (germline): Conflicting classifications of pathogenicity. Review status: criteria provided, conflicting classifications (1 of 4 stars). 2 submissions from 2 submitters: Pathogenic (1); Uncertain significance (1). Last evaluated 2025-01-02.

Conditions:
PERCC1-related condition.
Diarrhea 11, malabsorptive, congenital. Also called: INTRACTABLE DIARRHEA OF INFANCY SYNDROME. Identifiers: MedGen C5231449, MONDO:0032857, OMIM 618662.

Submissions (2):

PreventionGenetics, part of Exact Sciences
Classification: Uncertain significance for PERCC1-related condition. Last evaluated: 2025-01-02. Review status: criteria provided, single submitter. Criteria: ACMG Guidelines, 2015. Collection method: clinical testing. Allele origin: germline.
Comment: The PERCC1 c.390C>G variant is predicted to result in premature protein termination (p.Tyr130*). This variant was reported in the homozygous state in two unrelated individuals with idiopathic congenital diarrhea (Marek-Yagel et al. 2023. PubMed ID: 36076104). This variant is reported in 0.013% of alleles in individuals of European (Non-Finnish) descent in gnomAD. Although we suspect that this variant may be pathogenic, at this time, the clinical significance of this variant is uncertain due to the absence of conclusive functional and genetic evidence.

Aleixo Muise Laboratory, Hospital For Sick Children
Classification: Pathogenic for Diarrhea 11, malabsorptive, congenital. Last evaluated: 2024-07-05. Review status: criteria provided, single submitter. Criteria: ACMG Guidelines, 2015. Collection method: research. Allele origin: germline. Affected: yes. Observed: 1 variant allele.
Comment: PVS1;PM2;PM3;PP3;PP4